The following is an entry in ClinVar:

ClinVar aggregate classification (germline): Likely pathogenic (1 of 4 stars; one submission).

Conditions:
Cardiovascular phenotype. Identifiers: MedGen CN230736.

Submission:

Ambry Genetics
Classification: Likely pathogenic for Cardiovascular phenotype. Last evaluated: 2024-04-02. Review status: criteria provided, single submitter. Criteria: Ambry Variant Classification Scheme 2023. Collection method: clinical testing. Allele origin: germline.
Comment: The c.21694_21698delATGAT variant, located in coding exon 88 of the TTN gene, results from a deletion of 5 nucleotides at nucleotide positions 21694 to 21698, causing a translational frameshift with a predicted alternate stop codon (p.M7232Sfs*10). This exon is located in the A-band region of the N2-B isoform of the titin protein and is constitutively expressed in TTN transcripts (percent spliced in or PSI 100%). This variant is considered to be rare based on population cohorts in the Genome Aggregation Database (gnomAD). This alteration is expected to result in loss of function by premature protein truncation or nonsense-mediated mRNA decay. While truncating variants in TTN are present in 1-3% of the general population, truncating variants in the A-band are the most common cause of dilated cardiomyopathy (DCM) (Herman DS et al. N. Engl. J. Med., 2012 Feb;366:619-28; Roberts AM et al. Sci Transl Med, 2015 Jan;7:270ra6). TTN truncating variants encoded in constitutive exons (PSI >90%) have been found to be significantly associated with DCM regardless of their position in titin (Schafer S et al. Nat. Genet., 2017 01;49:46-53). Based on the majority of available evidence to date, this variant is likely to be pathogenic.

NM_001267550.2(TTN):c.48889_48893del (p.Met16297fs)

Genes: TTN (titin; minus strand), TTN-AS1 (TTN antisense RNA 1; plus strand), LOC126806426 (BRD4-independent group 4 enhancer GRCh37_chr2:179478848-179480047; plus strand). Cytogenetic location: 2q31.2.
Variant type: Deletion.
Coding change: c.48889_48893del on transcript NM_001267550.2 (MANE Select); coding-DNA positions 48889 to 48893, 5 bases deleted (ATGAT; older notation c.48889_48893delATGAT).
Protein change: p.Met16297fs; shifts the reading frame from methionine 16297.
Molecular consequence: frameshift variant. On other transcripts: non-coding transcript variant (1).
Genome position (GRCh38, 1-based): chr2:178,614,621-178,614,625, ATCAT deleted on the plus strand (ATGAT on the coding strand, the reverse complement: TTN is on the minus strand); deleting any 5 consecutive bases within chr2:178,614,621-178,614,629 gives the same sequence; the c. name uses the placement nearest the transcript's 3' end. VCF-style (leftmost placement, unchanged base first): chr2-178614620-AATCAT-A. GRCh37 (hg19) VCF-style: chr2-179479347-AATCAT-A.
Other names: c.43966_43970del, p.Met14656fs (NM_001256850.1); c.21694_21698del, p.Met7232fs (NM_003319.4); c.41185_41189del, p.Met13729fs (NM_133378.4); c.22069_22073del, p.Met7357fs (NM_133432.3); c.22270_22274del, p.Met7424fs (NM_133437.4); c.21694_21698delATGAT (NM_003319.4); short protein forms M7232fs, M13729fs, M14656fs, M16297fs, M7357fs, M7424fs.
Identifiers: ClinVar variation 3330053 (VCV003330053.1).